The following is an entry in ClinVar:

NM_003924.4(PHOX2B):c.467A>G (p.Gln156Arg)

Gene: PHOX2B (paired like homeobox 2B; minus strand). Cytogenetic location: 4p13.
Variant type: single nucleotide variant.
Coding change: c.467A>G on transcript NM_003924.4 (MANE Select); coding-DNA position 467, A replaced by G.
Protein change: p.Gln156Arg; replaces glutamine 156 with arginine.
Molecular consequence: missense variant.
Genome position (GRCh38, 1-based): chr4:41,746,285, T>C on the plus strand (A>G on the coding strand, the complement: PHOX2B is on the minus strand). VCF-style: chr4-41746285-T-C. GRCh37 (hg19) VCF-style: chr4-41748302-T-C.
Other names: short protein forms Q156R.
Identifiers: ClinVar variation 3417919 (VCV003417919.1).
Genomic context (GRCh38, chr4:41,746,285, plus strand): 5'-GACTTTTTGCCCGAGGAGCCGTTCTTGGCCGCGGCCGCTGCGGCTGCCGCTGCGCGCTCC[T>C]GCTTGCGAAACTTGGCGCGGCGGTTCTGGAACCACACCTGGCCCAAGACGGAAGGAGAGA-3'
Protein context (NP_003915.2, residues 146-166): FQNRRAKFRK[Gln156Arg]ERAAAAAAAA

ClinVar aggregate classification (germline): Uncertain significance (1 of 4 stars; one submission).

Conditions:
Hereditary cancer-predisposing syndrome. Also called: Neoplastic Syndromes, Hereditary; Tumor predisposition; Hereditary Cancer Syndrome; Hereditary neoplastic syndrome. Identifiers: Orphanet 140162, MedGen C0027672, MeSH D009386, MONDO:0015356.

Submission:

Ambry Genetics
Classification: Uncertain significance for Hereditary cancer-predisposing syndrome. Last evaluated: 2024-11-05. Review status: criteria provided, single submitter. Criteria: Ambry Variant Classification Scheme 2023. Collection method: clinical testing. Allele origin: germline.
Comment: The p.Q156R variant (also known as c.467A>G), located in coding exon 3 of the PHOX2B gene, results from an A to G substitution at nucleotide position 467. The glutamine at codon 156 is replaced by arginine, an amino acid with highly similar properties. This amino acid position is conserved. In addition, the in silico prediction for this alteration is inconclusive. Based on the available evidence, the clinical significance of this variant remains unclear.